The following is an entry in ClinVar:

ClinVar aggregate classification (germline): Uncertain significance (1 of 4 stars; one submission).

Conditions:
Severe combined immunodeficiency due to DNA-PKcs deficiency. Also called: IMMUNODEFICIENCY 26 WITH NEUROLOGIC ABNORMALITIES; Immunodeficiency 26 with or without neurologic abnormalities. Identifiers: Orphanet 317425, MedGen C4014833, MONDO:0014423, OMIM 615966.

Submission:

Labcorp Genetics (formerly Invitae), Labcorp
Classification: Uncertain significance for Severe combined immunodeficiency due to DNA-PKcs deficiency. Last evaluated: 2022-07-29. Review status: criteria provided, single submitter. Criteria: Invitae Variant Classification Sherloc (09022015). Collection method: clinical testing. Allele origin: germline.
Comment: This variant has not been reported in the literature in individuals affected with PRKDC-related conditions. Experimental studies and prediction algorithms are not available or were not evaluated, and the functional significance of this variant is currently unknown. In summary, the available evidence is currently insufficient to determine the role of this variant in disease. Therefore, it has been classified as a Variant of Uncertain Significance. This variant is not present in population databases (gnomAD no frequency). This sequence change replaces phenylalanine, which is neutral and non-polar, with leucine, which is neutral and non-polar, at codon 3887 of the PRKDC protein (p.Phe3887Leu).

NM_006904.7(PRKDC):c.11661C>G (p.Phe3887Leu)

Gene: PRKDC (protein kinase, DNA-activated, catalytic subunit; minus strand). Cytogenetic location: 8q11.21.
Variant type: single nucleotide variant.
Coding change: c.11661C>G on transcript NM_006904.7 (MANE Select); coding-DNA position 11661, C replaced by G.
Protein change: p.Phe3887Leu; replaces phenylalanine 3887 with leucine.
Molecular consequence: missense variant.
Genome position (GRCh38, 1-based): chr8:47,778,651, G>C on the plus strand (C>G on the coding strand, the complement: PRKDC is on the minus strand). VCF-style: chr8-47778651-G-C. GRCh37 (hg19) VCF-style: chr8-48691212-G-C.
Other names: c.11568C>G, p.Phe3856Leu (NM_001081640.2); short protein forms F3856L, F3887L.
Identifiers: ClinVar variation 1714176 (VCV001714176.5), dbSNP rs377013091, ClinGen allele CA371128838.